The following is an entry in ClinVar:

NM_000327.4(ROM1):c.187C>T (p.Pro63Ser)

Gene: ROM1 (retinal outer segment membrane protein 1; plus strand). Cytogenetic location: 11q12.3.
Variant type: single nucleotide variant.
Coding change: c.187C>T on transcript NM_000327.4 (MANE Select); coding-DNA position 187, C replaced by T.
Protein change: p.Pro63Ser; replaces proline 63 with serine.
Molecular consequence: missense variant.
Genome position (GRCh38, 1-based): chr11:62,613,468, C>T. VCF-style: chr11-62613468-C-T. GRCh37 (hg19) VCF-style: chr11-62380940-C-T.
Other names: short protein forms P63S.
Identifiers: ClinVar variation 3434789 (VCV003434789.2).

ClinVar aggregate classification (germline): Uncertain significance. Review status: criteria provided, multiple submitters, no conflicts (2 of 4 stars). 2 submissions from 2 submitters: Uncertain significance (2). Last evaluated 2025-10-03.

Submissions (2):

Labcorp Genetics (formerly Invitae), Labcorp
Classification: Uncertain significance. Last evaluated: 2025-10-03. Review status: criteria provided, single submitter. Criteria: Invitae Variant Classification Sherloc (09022015). Collection method: clinical testing. Allele origin: germline.
Comment: This sequence change replaces proline, which is neutral and non-polar, with serine, which is neutral and polar, at codon 63 of the ROM1 protein (p.Pro63Ser). This variant is not present in population databases (gnomAD no frequency). This variant has not been reported in the literature in individuals affected with ROM1-related conditions. ClinVar contains an entry for this variant (Variation ID: 3434789). Invitae Evidence Modeling of protein sequence and biophysical properties (such as structural, functional, and spatial information, amino acid conservation, physicochemical variation, residue mobility, and thermodynamic stability) indicates that this missense variant is not expected to disrupt ROM1 protein function with a negative predictive value of 80%. In summary, the available evidence is currently insufficient to determine the role of this variant in disease. Therefore, it has been classified as a Variant of Uncertain Significance.

Ambry Genetics
Classification: Uncertain significance. Last evaluated: 2024-11-20. Review status: criteria provided, single submitter. Criteria: Ambry Variant Classification Scheme 2023. Collection method: clinical testing. Allele origin: germline.